The following is an entry in ClinVar:

ClinVar aggregate classification (germline): Conflicting classifications of pathogenicity. Review status: criteria provided, conflicting classifications (1 of 4 stars). 6 submissions from 6 submitters: Uncertain significance (1); Benign (1); Likely benign (3). 1 of the submissions does not count toward it. Last evaluated 2024-09-04.

Conditions:
BRIP1-related disorder. Also called: BRIP1-related condition; BRIP1-related disorders. Identifiers: MedGen CN239206.
Fanconi anemia complementation group J. Also called: BRIP1-Related Fanconi Anemia. Identifiers: Orphanet 84, MedGen C1836860, MONDO:0012187, OMIM 609054.
Familial cancer of breast. Also called: Hereditary breast cancer; BREAST CANCER, FAMILIAL; hereditary breast carcinoma. Identifiers: Orphanet 227535, MedGen C0346153, MONDO:0016419, OMIM 114480. Disease mechanism: loss of function.
Hereditary cancer-predisposing syndrome. Also called: Tumor predisposition; Neoplastic Syndromes, Hereditary; Hereditary Cancer Syndrome; Hereditary neoplastic syndrome. Identifiers: Orphanet 140162, MedGen C0027672, MeSH D009386, MONDO:0015356.

Allele frequency attached by ClinVar (database versions not stated): gnomAD exomes below 0.00001; TOPMed 0.00001.
gnomAD v4.1: 3 of 1,613,906 alleles (0.00019%); highest among the groups gnomAD compares: Non-Finnish European, 0.00017%; no homozygotes.

Submissions (6):

Myriad Genetics, Inc.
Classification: Benign for Familial cancer of breast. Last evaluated: 2024-09-04. Review status: criteria provided, single submitter. Criteria: Myriad Autosomal Dominant, Autosomal Recessive and X-Linked Classification Criteria (2023). Collection method: clinical testing. Allele origin: unknown.
Comment: This variant is considered benign. This variant is a silent/synonymous amino acid change and it is not expected to impact splicing.

Labcorp Genetics (formerly Invitae), Labcorp
Classification: Likely benign for Familial cancer of breast; Fanconi anemia complementation group J. Last evaluated: 2024-08-11. Review status: criteria provided, single submitter. Criteria: Invitae Variant Classification Sherloc (09022015). Collection method: clinical testing. Allele origin: germline.

Department of Pathology and Laboratory Medicine, Sinai Health System
Classification: Uncertain significance for Familial cancer of breast. Last evaluated: 2022-04-11. Review status: criteria provided, single submitter. Criteria: ACMG Guidelines, 2015. Collection method: clinical testing. Allele origin: germline. Affected: yes.

Color Diagnostics, LLC DBA Color Health
Classification: Likely benign for Hereditary cancer-predisposing syndrome. Last evaluated: 2019-02-04. Review status: criteria provided, single submitter. Criteria: ACMG Guidelines, 2015. Collection method: clinical testing. Allele origin: germline.

Ambry Genetics
Classification: Likely benign for Hereditary cancer-predisposing syndrome. Last evaluated: 2017-12-15. Review status: criteria provided, single submitter. Criteria: Ambry Variant Classification Scheme 2023. Collection method: clinical testing. Allele origin: germline.

PreventionGenetics, part of Exact Sciences
Classification: Likely benign for BRIP1-related condition. Last evaluated: 2024-04-18. Review status: no assertion criteria provided. Collection method: clinical testing. Allele origin: germline. Not counted in ClinVar's aggregate classification.
Comment: This variant is classified as likely benign based on ACMG/AMP sequence variant interpretation guidelines (Richards et al. 2015 PMID: 25741868, with internal and published modifications).

NM_032043.3(BRIP1):c.2262A>T (p.Gly754=)

Gene: BRIP1 (BRCA1 interacting DNA helicase 1; minus strand). Cytogenetic location: 17q23.2.
Variant type: single nucleotide variant.
Coding change: c.2262A>T on transcript NM_032043.3 (MANE Select); coding-DNA position 2262, A replaced by T.
Protein change: p.Gly754=; no amino-acid change (glycine 754 retained).
Molecular consequence: synonymous variant.
Genome position (GRCh38, 1-based): chr17:61,743,130, T>A on the plus strand (A>T on the coding strand, the complement: BRIP1 is on the minus strand). VCF-style: chr17-61743130-T-A. GRCh37 (hg19) VCF-style: chr17-59820491-T-A.
Identifiers: ClinVar variation 414664 (VCV000414664.22), dbSNP rs1060504324, ClinGen allele CA16615795.